The following is an entry in ClinVar:

NM_001164508.2(NEB):c.10384C>T (p.Gln3462Ter)

Gene: NEB (nebulin; minus strand). Cytogenetic location: 2q23.3.
Variant type: single nucleotide variant.
Coding change: c.10384C>T on transcript NM_001164508.2 (MANE Select); coding-DNA position 10384, C replaced by T.
Protein change: p.Gln3462Ter; replaces glutamine 3462 with a stop codon.
Molecular consequence: nonsense.
Genome position (GRCh38, 1-based): chr2:151,625,602, G>A on the plus strand (C>T on the coding strand, the complement: NEB is on the minus strand). VCF-style: chr2-151625602-G-A. GRCh37 (hg19) VCF-style: chr2-152482116-G-A.
Other names: c.10384C>T, p.Gln3462Ter (NM_001164507.2, NM_001271208.2); c.9655C>T, p.Gln3219Ter (NM_004543.5); short protein forms Q3219*, Q3462*.
Identifiers: ClinVar variation 3775333 (VCV003775333.1).

ClinVar aggregate classification (germline): Likely pathogenic (1 of 4 stars; one submission).

Conditions:
Nemaline myopathy 2 (NEM2). Also called: Nemaline myopathy 2, autosomal recessive. Identifiers: MedGen C1850569, MONDO:0009725, OMIM 256030.

Submission:

3billion
Classification: Likely pathogenic for Nemaline myopathy 2. Last evaluated: 2023-08-25. Review status: criteria provided, single submitter. Criteria: ACMG Guidelines, 2015. Collection method: clinical testing. Allele origin: germline. Affected: yes.
Comment: The variant is not observed in the gnomAD v2.1.1 dataset. Predicted Consequence/Location: Stop-gained (nonsense): predicted to result in a loss or disruption of normal protein function through nonsense-mediated decay (NMD) or protein truncation. Multiple pathogenic variants are reported downstream of the variant. Therefore, this variant is classified as Likely pathogenic according to the recommendation of ACMG/AMP guideline.